The following is an entry in ClinVar:

ClinVar aggregate classification (germline): Uncertain significance (1 of 4 stars; one submission).

Submission:

Labcorp Genetics (formerly Invitae), Labcorp
Classification: Uncertain significance. Last evaluated: 2022-12-20. Review status: criteria provided, single submitter. Criteria: Invitae Variant Classification Sherloc (09022015). Collection method: clinical testing. Allele origin: germline.
Comment: This sequence change falls in intron 9 of the DCHS1 gene. It does not directly change the encoded amino acid sequence of the DCHS1 protein. It affects a nucleotide within the consensus splice site. This variant is not present in population databases (gnomAD no frequency). In summary, the available evidence is currently insufficient to determine the role of this variant in disease. Therefore, it has been classified as a Variant of Uncertain Significance. Variants that disrupt the consensus splice site are a relatively common cause of aberrant splicing (PMID: 17576681, 9536098). Algorithms developed to predict the effect of sequence changes on RNA splicing suggest that this variant is not likely to affect RNA splicing. This variant has not been reported in the literature in individuals affected with DCHS1-related conditions.

Literature cited by the submitters: PubMed 17576681; PubMed 9536098.

NM_003737.4(DCHS1):c.3931-3C>T

Gene: DCHS1 (dachsous cadherin-related 1; minus strand). Cytogenetic location: 11p15.4.
Variant type: single nucleotide variant.
Coding change: c.3931-3C>T on transcript NM_003737.4 (MANE Select); 3 bases into the intron before coding-DNA position 3931, C replaced by T.
Molecular consequence: intron variant.
Genome position (GRCh38, 1-based): chr11:6,630,866, G>A on the plus strand (C>T on the coding strand, the complement: DCHS1 is on the minus strand). VCF-style: chr11-6630866-G-A. GRCh37 (hg19) VCF-style: chr11-6652097-G-A.
Identifiers: ClinVar variation 2822516 (VCV002822516.3), dbSNP rs2493826114, ClinGen allele CA2612272990.